The following is an entry in ClinVar:

NM_000170.3(GLDC):c.1740C>G (p.His580Gln)

Gene: GLDC (glycine decarboxylase; minus strand). Cytogenetic location: 9p24.1.
Variant type: single nucleotide variant.
Coding change: c.1740C>G on transcript NM_000170.3 (MANE Select); coding-DNA position 1740, C replaced by G.
Protein change: p.His580Gln; replaces histidine 580 with glutamine.
Molecular consequence: missense variant.
Genome position (GRCh38, 1-based): chr9:6,587,251, G>C on the plus strand (C>G on the coding strand, the complement: GLDC is on the minus strand). VCF-style: chr9-6587251-G-C. GRCh37 (hg19) VCF-style: chr9-6587251-G-C.
Other names: short protein forms H580Q.
Identifiers: ClinVar variation 1485831 (VCV001485831.8), dbSNP rs1587946346, ClinGen allele CA372891750.

ClinVar aggregate classification (germline): Likely pathogenic (1 of 4 stars; one submission).

Conditions:
Glycine encephalopathy. Also called: Non-ketotic hyperglycinemia; Nonketotic hyperglycinemia. Identifiers: Orphanet 407, MedGen C0751748, MONDO:0011612, HP:0008288.

Submission:

Labcorp Genetics (formerly Invitae), Labcorp
Classification: Likely pathogenic for Glycine encephalopathy. Last evaluated: 2021-07-18. Review status: criteria provided, single submitter. Criteria: Invitae Variant Classification Sherloc (09022015). Collection method: clinical testing. Allele origin: germline.
Comment: In summary, the currently available evidence indicates that the variant is pathogenic, but additional data are needed to prove that conclusively. Therefore, this variant has been classified as Likely Pathogenic. This variant disrupts the p.His580 amino acid residue in GLDC. Other variant(s) that disrupt this residue have been determined to be pathogenic (PMID: 27362913; Invitae). This suggests that this residue is clinically significant, and that variants that disrupt this residue are likely to be disease-causing. Advanced modeling of protein sequence and biophysical properties (such as structural, functional, and spatial information, amino acid conservation, physicochemical variation, residue mobility, and thermodynamic stability) performed at Invitae indicates that this missense variant is expected to disrupt GLDC protein function. This variant has not been reported in the literature in individuals affected with GLDC-related conditions. This variant is not present in population databases (ExAC no frequency). This sequence change replaces histidine with glutamine at codon 580 of the GLDC protein (p.His580Gln). The histidine residue is highly conserved and there is a small physicochemical difference between histidine and glutamine.

Literature cited by the submitters: PubMed 27362913.